The following is an entry in ClinVar:

NM_018124.4(RFWD3):c.1885C>T (p.His629Tyr)

Gene: RFWD3 (ring finger and WD repeat domain 3; minus strand). Cytogenetic location: 16q23.1.
Variant type: single nucleotide variant.
Coding change: c.1885C>T on transcript NM_018124.4 (MANE Select); coding-DNA position 1885, C replaced by T.
Protein change: p.His629Tyr; replaces histidine 629 with tyrosine.
Molecular consequence: missense variant.
Genome position (GRCh38, 1-based): chr16:74,628,536, G>A on the plus strand (C>T on the coding strand, the complement: RFWD3 is on the minus strand). VCF-style: chr16-74628536-G-A. GRCh37 (hg19) VCF-style: chr16-74662434-G-A.
Other names: c.1885C>T, p.His629Tyr (NM_001370534.1, NM_001370535.1); c.1708C>T, p.His570Tyr (NM_001370536.1); c.1051C>T, p.His351Tyr (NM_001370537.1, NM_001370539.1, NM_001370540.1 and 3 more transcripts); short protein forms H351Y, H629Y, H570Y.
Identifiers: ClinVar variation 2018663 (VCV002018663.4), dbSNP rs1349428055, ClinGen allele CA396759815.

ClinVar aggregate classification (germline): Uncertain significance (1 of 4 stars; one submission).

Allele frequency attached by ClinVar (database versions not stated): TOPMed below 0.00001.

Submission:

Labcorp Genetics (formerly Invitae), Labcorp
Classification: Uncertain significance. Last evaluated: 2022-07-21. Review status: criteria provided, single submitter. Criteria: Invitae Variant Classification Sherloc (09022015). Collection method: clinical testing. Allele origin: germline.
Comment: This variant has not been reported in the literature in individuals affected with RFWD3-related conditions. This sequence change replaces histidine, which is basic and polar, with tyrosine, which is neutral and polar, at codon 629 of the RFWD3 protein (p.His629Tyr). This variant is not present in population databases (gnomAD no frequency). Algorithms developed to predict the effect of missense changes on protein structure and function are either unavailable or do not agree on the potential impact of this missense change (SIFT: "Tolerated"; PolyPhen-2: "Possibly Damaging"; Align-GVGD: "Class C15"). In summary, the available evidence is currently insufficient to determine the role of this variant in disease. Therefore, it has been classified as a Variant of Uncertain Significance.